The following is an entry in ClinVar:

NM_138386.3(NAF1):c.1334C>A (p.Pro445Gln)

Gene: NAF1 (nuclear assembly factor 1 ribonucleoprotein; minus strand). Cytogenetic location: 4q32.2.
Variant type: single nucleotide variant.
Coding change: c.1334C>A on transcript NM_138386.3 (MANE Select); coding-DNA position 1334, C replaced by A.
Protein change: p.Pro445Gln; replaces proline 445 with glutamine.
Molecular consequence: missense variant. On other transcripts: intron variant (1).
Genome position (GRCh38, 1-based): chr4:163,129,048, G>T on the plus strand (C>A on the coding strand, the complement: NAF1 is on the minus strand). VCF-style: chr4-163129048-G-T. GRCh37 (hg19) VCF-style: chr4-164050200-G-T.
Other names: c.1034-1933C>A (NM_001128931.2); short protein forms P445Q.
Identifiers: ClinVar variation 3877528 (VCV003877528.2).
Genomic context (GRCh38, chr4:163,129,048, plus strand): 5'-GGTAAGTTAAGTAATGGATGAGCAGCCATGTTTGGTGTAGCCCAACCCATGTTTACAGGT[G>T]GGGGTGGTGGTGGGGGTGGAGGGCGGAGGGGAAAATTATGCATGTCAAACACTGGAAGAG-3'
Protein context (NP_612395.2, residues 435-455): PLRPPPPPPP[Pro445Gln]PVNMGWATPN

ClinVar aggregate classification (germline): Uncertain significance. Review status: criteria provided, multiple submitters, no conflicts (2 of 4 stars). 2 submissions from 2 submitters: Uncertain significance (2). Last evaluated 2025-05-30.

gnomAD v4.1: 26 of 1,538,682 alleles (0.0017%); highest among the groups gnomAD compares: South Asian, 0.0036%; no homozygotes.

Submissions (2):

Labcorp Genetics (formerly Invitae), Labcorp
Classification: Uncertain significance. Last evaluated: 2025-05-30. Review status: criteria provided, single submitter. Criteria: Invitae Variant Classification Sherloc (09022015). Collection method: clinical testing. Allele origin: germline.
Comment: This sequence change replaces proline, which is neutral and non-polar, with glutamine, which is neutral and polar, at codon 445 of the NAF1 protein (p.Pro445Gln). This variant is present in population databases (no rsID available, gnomAD 0.009%). This variant has not been reported in the literature in individuals affected with NAF1-related conditions. ClinVar contains an entry for this variant (Variation ID: 3877528). An algorithm developed to predict the effect of missense changes on protein structure and function (PolyPhen-2) suggests that this variant is likely to be tolerated. In summary, the available evidence is currently insufficient to determine the role of this variant in disease. Therefore, it has been classified as a Variant of Uncertain Significance.

Ambry Genetics
Classification: Uncertain significance. Last evaluated: 2025-03-03. Review status: criteria provided, single submitter. Criteria: Ambry Variant Classification Scheme 2023. Collection method: clinical testing. Allele origin: germline.